The following is an entry in ClinVar:

NM_022356.4(P3H1):c.1102C>G (p.Arg368Gly)

Gene: P3H1 (prolyl 3-hydroxylase 1; minus strand). Cytogenetic location: 1p34.2.
Variant type: single nucleotide variant.
Coding change: c.1102C>G on transcript NM_022356.4 (MANE Select); coding-DNA position 1102, C replaced by G.
Protein change: p.Arg368Gly; replaces arginine 368 with glycine.
Molecular consequence: missense variant.
Genome position (GRCh38, 1-based): chr1:42,755,616, G>C on the plus strand (C>G on the coding strand, the complement: P3H1 is on the minus strand). VCF-style: chr1-42755616-G-C. GRCh37 (hg19) VCF-style: chr1-43221287-G-C.
Other names: c.1102C>G, p.Arg368Gly (NM_001146289.2, NM_001243246.2); short protein forms R368G.
Identifiers: ClinVar variation 565337 (VCV000565337.6), dbSNP rs118203996, ClinGen allele CA339958391.
Genomic context (GRCh38, chr1:42,755,616, plus strand): 5'-CAAAGGGAATTCCAAAAACATCATAAGCGAAGAAAAGCAGTTCTTTTTCCAGTAGGCTTC[G>C]CTGTCGGTACTCCTTGGCACTCTGAGGGTAAAAAAGCAAACAAATCCCCCAGAACTCAGC-3'
Protein context (NP_071751.3, residues 358-378): PRESAKEYRQ[Arg368Gly]SLLEKELLFF

ClinVar aggregate classification (germline): Uncertain significance (1 of 4 stars; one submission).

Conditions:
Osteogenesis imperfecta type 8 (OI8). Identifiers: MedGen C1970458, MONDO:0012581, OMIM 610915.

gnomAD v4.1: 1 of 1,613,868 alleles (0.000062%); no homozygotes.

Submission:

Labcorp Genetics (formerly Invitae), Labcorp
Classification: Uncertain significance for Osteogenesis imperfecta type 8. Last evaluated: 2021-09-01. Review status: criteria provided, single submitter. Criteria: Invitae Variant Classification Sherloc (09022015). Collection method: clinical testing. Allele origin: germline.
Comment: This sequence change replaces arginine with glycine at codon 368 of the P3H1 protein (p.Arg368Gly). The arginine residue is highly conserved and there is a moderate physicochemical difference between arginine and glycine. This variant is not present in population databases (ExAC no frequency). This variant has not been reported in the literature in individuals affected with P3H1-related conditions. Algorithms developed to predict the effect of missense changes on protein structure and function (SIFT, PolyPhen-2, Align-GVGD) all suggest that this variant is likely to be disruptive. In summary, the available evidence is currently insufficient to determine the role of this variant in disease. Therefore, it has been classified as a Variant of Uncertain Significance.